The following is an entry in ClinVar:

ClinVar aggregate classification (germline): Uncertain significance (1 of 4 stars; one submission).

Conditions:
Inborn genetic diseases. Identifiers: MedGen C0950123, MeSH D030342.

gnomAD v4.1: 1 of 1,608,008 alleles (0.000062%); highest among the groups gnomAD compares: Non-Finnish European, 0.000085%; no homozygotes.

Submission:

Ambry Genetics
Classification: Uncertain significance for Inborn genetic diseases. Last evaluated: 2025-08-12. Review status: criteria provided, single submitter. Criteria: Ambry Variant Classification Scheme 2023. Collection method: clinical testing. Allele origin: germline.
Comment: The p.A2019T variant (also known as c.6055G>A), located in coding exon 23 of the FANCM gene, results from a G to A substitution at nucleotide position 6055. The alanine at codon 2019 is replaced by threonine, an amino acid with similar properties. This amino acid position is conserved. In addition, the in silico prediction for this alteration is inconclusive. Based on the available evidence, the clinical significance of this variant remains unclear.

NM_020937.4(FANCM):c.6055G>A (p.Ala2019Thr)

Gene: FANCM (FA complementation group M; plus strand). Cytogenetic location: 14q21.2.
Variant type: single nucleotide variant.
Coding change: c.6055G>A on transcript NM_020937.4 (MANE Select); coding-DNA position 6055, G replaced by A.
Protein change: p.Ala2019Thr; replaces alanine 2019 with threonine.
Molecular consequence: missense variant.
Genome position (GRCh38, 1-based): chr14:45,199,916, G>A. VCF-style: chr14-45199916-G-A. GRCh37 (hg19) VCF-style: chr14-45669119-G-A.
Other names: c.5977G>A, p.Ala1993Thr (NM_001308133.2); short protein forms A2019T, A1993T.
Identifiers: ClinVar variation 4254669 (VCV004254669.1).
Genomic context (GRCh38, chr14:45,199,916, plus strand): 5'-CATTTATTTTTCAGCTCACTTCAAGAAATCTCCATGTATGCACAAGTAACTCATCAGAAG[G>A]CTGAGGAGATCTATAGATATATTCACTATGTATTTGACATACAAATGTTACCAAATGATC-3'
Protein context (NP_065988.1, residues 2009-2029): SMYAQVTHQK[Ala2019Thr]EEIYRYIHYV